The following is an entry in ClinVar:

NM_004360.5(CDH1):c.1119G>A (p.Pro373=)

Gene: CDH1 (cadherin 1; plus strand). Cytogenetic location: 16q22.1.
Variant type: single nucleotide variant.
Coding change: c.1119G>A on transcript NM_004360.5 (MANE Select); coding-DNA position 1119, G replaced by A.
Protein change: p.Pro373=; no amino-acid change (proline 373 retained).
Molecular consequence: synonymous variant. On other transcripts: 5 prime UTR variant (2).
Genome position (GRCh38, 1-based): chr16:68,812,245, G>A. VCF-style: chr16-68812245-G-A. GRCh37 (hg19) VCF-style: chr16-68846148-G-A.
Other names: c.1119G>A (LRG_301t1); c.1119G>A, p.Pro373= (NM_001317184.2); c.-497G>A (NM_001317185.2); c.-701G>A (NM_001317186.2).
Identifiers: ClinVar variation 184559 (VCV000184559.22), dbSNP rs758258272, ClinGen allele CA189296.

ClinVar aggregate classification (germline): Conflicting classifications of pathogenicity. Review status: criteria provided, conflicting classifications (1 of 4 stars). 8 submissions from 8 submitters: Uncertain significance (1); Benign (1); Likely benign (6). Last evaluated 2026-01-27.

Conditions:
Hereditary cancer-predisposing syndrome. Also called: Tumor predisposition; Hereditary Cancer Syndrome; Hereditary neoplastic syndrome; Neoplastic Syndromes, Hereditary. Identifiers: Orphanet 140162, MedGen C0027672, MeSH D009386, MONDO:0015356.
Hereditary diffuse gastric adenocarcinoma (HDGC). Also called: DIFFUSE GASTRIC AND LOBULAR BREAST CANCER SYNDROME. Identifiers: Orphanet 26106, MedGen C1708349, MONDO:0007648, OMIM 137215.

Allele frequency attached by ClinVar (database versions not stated): TOPMed 0.00001; gnomAD 0.00002 and 0.00003; ExAC 0.00003; gnomAD exomes 0.00003.
gnomAD v4.1: 48 of 1,613,988 alleles (0.003%); highest among the groups gnomAD compares: Middle Eastern, 0.033%; no homozygotes.

Submissions (8):

Labcorp Genetics (formerly Invitae), Labcorp
Classification: Likely benign for Hereditary diffuse gastric adenocarcinoma. Last evaluated: 2026-01-27. Review status: criteria provided, single submitter. Criteria: Invitae Variant Classification Sherloc (09022015). Collection method: clinical testing. Allele origin: germline.

Myriad Genetics, Inc.
Classification: Benign for Hereditary diffuse gastric adenocarcinoma. Last evaluated: 2024-09-18. Review status: criteria provided, single submitter. Criteria: Myriad Autosomal Dominant, Autosomal Recessive and X-Linked Classification Criteria (2023). Collection method: clinical testing. Allele origin: unknown.
Comment: This variant is considered benign. This variant is a silent/synonymous amino acid change and it is not expected to impact splicing.

European Reference Network on Genetic Tumour Risk Syndromes (ERN-GENTURIS), i3s - Instituto de Investigação e Inovação em Saúde, University of Porto
Classification: Uncertain significance for Hereditary diffuse gastric adenocarcinoma. Last evaluated: 2022-08-01. Review status: criteria provided, single submitter. Criteria: Lee et al. (Hum Mutat. 2018). Collection method: clinical testing. Allele origin: germline. Inheritance: Autosomal dominant inheritance. Affected: no. Study: ERN GENTURIS.
Comment: Not applicable criteria (PMID: 30311375)

Sema4
Classification: Likely benign for Hereditary cancer-predisposing syndrome. Last evaluated: 2021-06-27. Review status: criteria provided, single submitter. Criteria: Sema4 Curation Guidelines. Collection method: curation. Allele origin: germline.

GeneDx
Classification: Likely benign. Last evaluated: 2019-12-23. Review status: criteria provided, single submitter. Criteria: GeneDx Variant Classification Process June 2021. Collection method: clinical testing. Allele origin: germline. Affected: yes.

Women's Health and Genetics/Laboratory Corporation of America, LabCorp
Classification: Likely benign. Last evaluated: 2019-07-18. Review status: criteria provided, single submitter. Criteria: LabCorp Variant Classification Summary - May 2015. Collection method: clinical testing. Allele origin: germline.

Color Diagnostics, LLC DBA Color Health
Classification: Likely benign for Hereditary cancer-predisposing syndrome. Last evaluated: 2017-02-15. Review status: criteria provided, single submitter. Criteria: ACMG Guidelines, 2015. Collection method: clinical testing. Allele origin: germline.

Ambry Genetics
Classification: Likely benign for Hereditary cancer-predisposing syndrome. Last evaluated: 2014-08-29. Review status: criteria provided, single submitter. Criteria: Ambry Variant Classification Scheme 2023. Collection method: clinical testing. Allele origin: germline.

Literature cited by the submitters: PubMed 36436516 (cited by European Reference Network on Genetic Tumour Risk Syndromes (ERN-GENTURIS), i3s - Instituto de Investigação e Inovação em Saúde, University of Porto).